The following is an entry in ClinVar:

ClinVar aggregate classification (germline): Uncertain significance (1 of 4 stars; one submission).

Conditions:
Inborn genetic diseases. Identifiers: MedGen C0950123, MeSH D030342.

Submission:

Ambry Genetics
Classification: Uncertain significance for Inborn genetic diseases. Last evaluated: 2021-08-10. Review status: criteria provided, single submitter. Criteria: Ambry Variant Classification Scheme 2023. Collection method: clinical testing. Allele origin: germline.
Comment: The p.D1906A variant (also known as c.5717A>C) is located in coding exon 19 of the F5 gene. The aspartic acid at codon 1906 is replaced by alanine, an amino acid with dissimilar properties. This change occurs in the first base pair of coding exon 19. This amino acid position is conserved. In addition, the in silico prediction for this alteration is inconclusive. Since supporting evidence is limited at this time, the clinical significance of this alteration remains unclear.

NM_000130.5(F5):c.5717A>C (p.Asp1906Ala)

Gene: F5 (coagulation factor V; minus strand). Cytogenetic location: 1q24.2.
Variant type: single nucleotide variant.
Coding change: c.5717A>C on transcript NM_000130.5 (MANE Select); coding-DNA position 5717, A replaced by C.
Protein change: p.Asp1906Ala; replaces aspartic acid 1906 with alanine.
Molecular consequence: missense variant.
Genome position (GRCh38, 1-based): chr1:169,524,908, T>G on the plus strand (A>C on the coding strand, the complement: F5 is on the minus strand). VCF-style: chr1-169524908-T-G. GRCh37 (hg19) VCF-style: chr1-169494146-T-G.
Other names: short protein forms D1906A.
Identifiers: ClinVar variation 1749263 (VCV001749263.2), dbSNP rs2526351679, ClinGen allele CA343123868.